The following is an entry in ClinVar:

ClinVar aggregate classification (germline): Uncertain significance. Review status: criteria provided, multiple submitters, no conflicts (2 of 4 stars). 2 submissions from 2 submitters: Uncertain significance (2). Last evaluated 2024-07-05.

Allele frequency attached by ClinVar (database versions not stated): TOPMed below 0.00001; gnomAD 0.00001.

Submissions (2):

Ambry Genetics
Classification: Uncertain significance. Last evaluated: 2024-07-05. Review status: criteria provided, single submitter. Criteria: Ambry Variant Classification Scheme 2023. Collection method: clinical testing. Allele origin: germline.
Comment: The p.E205K variant (also known as c.613G>A), located in coding exon 5 of the RECQL gene, results from a G to A substitution at nucleotide position 613. The glutamic acid at codon 205 is replaced by lysine, an amino acid with similar properties. This amino acid position is conserved. In addition, this alteration is predicted to be deleterious by in silico analysis. Since supporting evidence is limited at this time, the clinical significance of this alteration remains unclear.

Labcorp Genetics (formerly Invitae), Labcorp
Classification: Uncertain significance. Last evaluated: 2022-03-09. Review status: criteria provided, single submitter. Criteria: Invitae Variant Classification Sherloc (09022015). Collection method: clinical testing. Allele origin: germline.
Comment: This variant has not been reported in the literature in individuals affected with RECQL-related conditions. This variant is not present in population databases (gnomAD no frequency). This sequence change replaces glutamic acid, which is acidic and polar, with lysine, which is basic and polar, at codon 205 of the RECQL protein (p.Glu205Lys). Algorithms developed to predict the effect of missense changes on protein structure and function are either unavailable or do not agree on the potential impact of this missense change (SIFT: "Deleterious"; PolyPhen-2: "Probably Damaging"; Align-GVGD: "Class C0"). In summary, the available evidence is currently insufficient to determine the role of this variant in disease. Therefore, it has been classified as a Variant of Uncertain Significance.

NM_002907.4(RECQL):c.613G>A (p.Glu205Lys)

Gene: RECQL (RecQ like helicase; minus strand). Cytogenetic location: 12p12.1.
Variant type: single nucleotide variant.
Coding change: c.613G>A on transcript NM_002907.4 (MANE Select); coding-DNA position 613, G replaced by A.
Protein change: p.Glu205Lys; replaces glutamic acid 205 with lysine.
Molecular consequence: missense variant.
Genome position (GRCh38, 1-based): chr12:21,483,463, C>T on the plus strand (G>A on the coding strand, the complement: RECQL is on the minus strand). VCF-style: chr12-21483463-C-T. GRCh37 (hg19) VCF-style: chr12-21636397-C-T.
Other names: c.613G>A, p.Glu205Lys (NM_032941.3); short protein forms E205K.
Identifiers: ClinVar variation 1751830 (VCV001751830.8), dbSNP rs1298732040, ClinGen allele CA384127195.